The following is an entry in ClinVar:

ClinVar aggregate classification (germline): Uncertain significance (1 of 4 stars; one submission).

Submission:

Labcorp Genetics (formerly Invitae), Labcorp
Classification: Uncertain significance. Last evaluated: 2024-10-17. Review status: criteria provided, single submitter. Criteria: Invitae Variant Classification Sherloc (09022015). Collection method: clinical testing. Allele origin: germline.
Comment: This sequence change replaces phenylalanine, which is neutral and non-polar, with serine, which is neutral and polar, at codon 174 of the SLC39A8 protein (p.Phe174Ser). This variant is not present in population databases (gnomAD no frequency). This variant has not been reported in the literature in individuals affected with SLC39A8-related conditions. ClinVar contains an entry for this variant (Variation ID: 1996919). Invitae Evidence Modeling of protein sequence and biophysical properties (such as structural, functional, and spatial information, amino acid conservation, physicochemical variation, residue mobility, and thermodynamic stability) indicates that this missense variant is not expected to disrupt SLC39A8 protein function with a negative predictive value of 80%. In summary, the available evidence is currently insufficient to determine the role of this variant in disease. Therefore, it has been classified as a Variant of Uncertain Significance.

NM_001135146.2(SLC39A8):c.521T>C (p.Phe174Ser)

Gene: SLC39A8 (solute carrier family 39 member 8; minus strand). Cytogenetic location: 4q24.
Variant type: single nucleotide variant.
Coding change: c.521T>C on transcript NM_001135146.2 (MANE Select); coding-DNA position 521, T replaced by C.
Protein change: p.Phe174Ser; replaces phenylalanine 174 with serine.
Molecular consequence: missense variant.
Genome position (GRCh38, 1-based): chr4:102,307,467, A>G on the plus strand (T>C on the coding strand, the complement: SLC39A8 is on the minus strand). VCF-style: chr4-102307467-A-G. GRCh37 (hg19) VCF-style: chr4-103228624-A-G.
Other names: c.521T>C, p.Phe174Ser (NM_001135147.1, NM_022154.5); c.320T>C, p.Phe107Ser (NM_001135148.2); short protein forms F107S, F174S.
Identifiers: ClinVar variation 1996919 (VCV001996919.4), dbSNP rs2476454167, ClinGen allele CA357753804.
Genomic context (GRCh38, chr4:102,307,467, plus strand): 5'-TCACAGAAACAAATAGCCAACATCCTTACCTCTGGAATAAGTTGGAAAATTGCATTTGAA[A>G]AAAGAGTCCCAATAGCCAGCCCCACAAAAAAGGTCAAAATCTTTGGGAAATAAGATTTCT-3'
Protein context (NP_001128618.1, residues 164-184): FFVGLAIGTL[Phe174Ser]SNAIFQLIPE